The following is an entry in ClinVar:

ClinVar aggregate classification (germline): Uncertain significance (1 of 4 stars; one submission).

Conditions:
Evans syndrome, immunodeficiency, and premature immunosenescence associated with tripeptidyl-peptidase II deficiency. Identifiers: MedGen CN231723. Disease mechanism: loss of function.

Allele frequency attached by ClinVar (database versions not stated): gnomAD 0.00001.
gnomAD v4.1: 26 of 1,613,802 alleles (0.0016%); highest among the groups gnomAD compares: Non-Finnish European, 0.0019%; no homozygotes.

Submission:

Labcorp Genetics (formerly Invitae), Labcorp
Classification: Uncertain significance for Evans syndrome, immunodeficiency, and premature immunosenescence associated with tripeptidyl-peptidase II deficiency. Last evaluated: 2021-02-11. Review status: criteria provided, single submitter. Criteria: Invitae Variant Classification Sherloc (09022015). Collection method: clinical testing. Allele origin: germline.
Comment: In summary, the available evidence is currently insufficient to determine the role of this variant in disease. Therefore, it has been classified as a Variant of Uncertain Significance. Algorithms developed to predict the effect of missense changes on protein structure and function are either unavailable or do not agree on the potential impact of this missense change (SIFT: "Deleterious"; PolyPhen-2: "Benign"; Align-GVGD: "Class C0"). This variant has not been reported in the literature in individuals with TPP2-related conditions. This variant is not present in population databases (ExAC no frequency). This sequence change replaces alanine with glutamic acid at codon 1149 of the TPP2 protein (p.Ala1149Glu). The alanine residue is moderately conserved and there is a moderate physicochemical difference between alanine and glutamic acid.

NM_001330588.2(TPP2):c.3485C>A (p.Ala1162Glu)

Gene: TPP2 (tripeptidyl peptidase 2; plus strand). Cytogenetic location: 13q33.1.
Variant type: single nucleotide variant.
Coding change: c.3485C>A on transcript NM_001330588.2 (MANE Select); coding-DNA position 3485, C replaced by A.
Protein change: p.Ala1162Glu; replaces alanine 1162 with glutamic acid.
Molecular consequence: missense variant. On other transcripts: non-coding transcript variant (1).
Genome position (GRCh38, 1-based): chr13:102,674,396, C>A. VCF-style: chr13-102674396-C-A. GRCh37 (hg19) VCF-style: chr13-103326746-C-A.
Other names: c.3572C>A, p.Ala1191Glu (NM_001367947.1); c.3446C>A, p.Ala1149Glu (NM_003291.4); short protein forms A1191E, A1149E, A1162E.
Identifiers: ClinVar variation 1402326 (VCV001402326.7), dbSNP rs768360752, ClinGen allele CA388512177.
Genomic context (GRCh38, chr13:102,674,396, plus strand): 5'-GTGCCCTGGCAGACCATCTTCTTCACACCCAGGCTCAAGACGGAGCCATTTCCACTGATG[C>A]AGAAGGAAAGGAGGAGGAAGGAGAAAGTCCTTTGGATTCTCTGGCAGAAACATTTTGGGA-3'
Protein context (NP_001317517.1, residues 1152-1172): QAQDGAISTD[Ala1162Glu]EGKEEEGESP